The following is an entry in ClinVar:

NM_007272.3(CTRC):c.632C>G (p.Ala211Gly)

Gene: CTRC (chymotrypsin C; plus strand). Cytogenetic location: 1p36.21.
Variant type: single nucleotide variant.
Coding change: c.632C>G on transcript NM_007272.3 (MANE Select); coding-DNA position 632, C replaced by G.
Protein change: p.Ala211Gly; replaces alanine 211 with glycine.
Molecular consequence: missense variant.
Genome position (GRCh38, 1-based): chr1:15,444,744, C>G. VCF-style: chr1-15444744-C-G. GRCh37 (hg19) VCF-style: chr1-15771239-C-G.
Other names: short protein forms A211G.
Identifiers: ClinVar variation 5035053 (VCV005035053.1).

ClinVar aggregate classification (germline): Uncertain significance (1 of 4 stars; one submission).

Conditions:
Hereditary pancreatitis (PCTT). Also called: Hereditary chronic pancreatitis; PRSS1-Related Hereditary Pancreatitis. Identifiers: Orphanet 676, MedGen C0238339, MONDO:0008185, OMIM 167800.

Submission:

Ambry Genetics
Classification: Uncertain significance for Hereditary pancreatitis. Last evaluated: 2026-08-07. Review status: criteria provided, single submitter. Criteria: Ambry Variant Classification Scheme 2023. Collection method: clinical testing. Allele origin: germline.
Comment: The p.A211G variant (also known as c.632C>G), located in coding exon 6 of the CTRC gene, results from a C to G substitution at nucleotide position 632. The alanine at codon 211 is replaced by glycine, an amino acid with similar properties. This amino acid position is conserved. In addition, this alteration is predicted to be tolerated by in silico analysis. Based on the available evidence, the clinical significance of this variant remains unclear.